The following is an entry in ClinVar:

ClinVar aggregate classification (germline): Uncertain significance (1 of 4 stars; one submission).

Submission:

GeneDx
Classification: Uncertain significance. Last evaluated: 2024-05-09. Review status: criteria provided, single submitter. Criteria: GeneDx Variant Classification Process June 2021. Collection method: clinical testing. Allele origin: germline. Affected: yes.
Comment: Not observed at significant frequency in large population cohorts (gnomAD); In silico analysis supports that this missense variant has a deleterious effect on protein structure/function; Has not been previously published as pathogenic or benign to our knowledge

NM_006852.6(TLK2):c.1636C>G (p.Arg546Gly)

Gene: TLK2 (tousled like kinase 2; plus strand). Cytogenetic location: 17q23.2.
Variant type: single nucleotide variant.
Coding change: c.1636C>G on transcript NM_006852.6 (MANE Select); coding-DNA position 1636, C replaced by G.
Protein change: p.Arg546Gly; replaces arginine 546 with glycine.
Molecular consequence: missense variant.
Genome position (GRCh38, 1-based): chr17:62,600,736, C>G. VCF-style: chr17-62600736-C-G. GRCh37 (hg19) VCF-style: chr17-60678097-C-G.
Other names: c.1702C>G, p.Arg568Gly (NM_001284333.3); c.1540C>G, p.Arg514Gly (NM_001284363.1, NM_001375272.1); c.1189C>G, p.Arg397Gly (NM_001330418.3, NM_001375273.1); c.1678C>G, p.Arg560Gly (NM_001375269.1); c.1636C>G, p.Arg546Gly (NM_001375270.1, NM_001375271.1); c.1351C>G, p.Arg451Gly (NM_001411074.1); short protein forms R397G, R451G, R514G, R546G, R560G, R568G.
Identifiers: ClinVar variation 3375685 (VCV003375685.1).